The following is an entry in ClinVar:

ClinVar aggregate classification (germline): Benign/Likely benign. Review status: criteria provided, multiple submitters, no conflicts (2 of 4 stars). 5 submissions from 4 submitters: Benign (3); Likely benign (2). Last evaluated 2021-12-05.

Conditions:
Hereditary spastic paraplegia 3A (SPG3A). Also called: SPASTIC PARAPLEGIA 3, AUTOSOMAL DOMINANT; FAMILIAL SPASTIC PARAPLEGIA, AUTOSOMAL DOMINANT, 1; SPG3; STRUMPELL DISEASE; Spastic Paraplegia 3A; Spastic paraplegia 3A, autosomal dominant. Identifiers: Orphanet 100984, MedGen C2931355, MONDO:0008437, OMIM 182600.
Neuropathy, hereditary sensory, type 1D. Identifiers: Orphanet 36386, MedGen C3150972, MONDO:0013381, OMIM 613708.

Allele frequency attached by ClinVar (database versions not stated): gnomAD 0.00541 and 0.00770; TOPMed 0.01047; gnomAD exomes 0.01112; 1000 Genomes Project 30x 0.03232; 1000 Genomes Project 0.03614.
gnomAD v4.1: 2,157 of 244,338 alleles (0.88%); highest among the groups gnomAD compares: East Asian, 16%; 137 homozygotes.

Submissions (5):

Genome-Nilou Lab
Classification: Benign for Neuropathy, hereditary sensory, type 1D. Last evaluated: 2021-12-05. Review status: criteria provided, single submitter. Criteria: ACMG Guidelines, 2015. Collection method: clinical testing. Allele origin: germline. Affected: no.

Genome-Nilou Lab
Classification: Benign for Hereditary spastic paraplegia 3A. Last evaluated: 2021-12-05. Review status: criteria provided, single submitter. Criteria: ACMG Guidelines, 2015. Collection method: clinical testing. Allele origin: germline. Affected: no.

GeneDx
Classification: Likely benign. Last evaluated: 2018-10-05. Review status: criteria provided, single submitter. Criteria: GeneDx Variant Classification Process June 2021. Collection method: clinical testing. Allele origin: germline. Affected: yes.

Illumina Laboratory Services, Illumina
Classification: Benign for Hereditary spastic paraplegia 3A. Last evaluated: 2018-01-13. Review status: criteria provided, single submitter. Criteria: ICSL Variant Classification Criteria 13 December 2019. Collection method: clinical testing. Allele origin: germline.
Comment: This variant was observed in the ICSL laboratory as part of a predisposition screen in an ostensibly healthy population. It had not been previously curated by ICSL or reported in the Human Gene Mutation Database (HGMD: prior to June 1st, 2018), and was therefore a candidate for classification through an automated scoring system. Utilizing variant allele frequency, disease prevalence and penetrance estimates, and inheritance mode, an automated score was calculated to assess if this variant is too frequent to cause the disease. Based on the score and internal cut-off values, a variant classified as benign is not then subjected to further curation. The score for this variant resulted in a classification of benign for this disease.

Breakthrough Genomics
Classification: Likely benign. Review status: criteria provided, single submitter. Criteria: ACMG Guidelines, 2015. Collection method: not provided. Allele origin: germline. Inheritance: Autosomal dominant inheritance. Affected: yes.

NM_015915.5(ATL1):c.*305T>C

Gene: ATL1 (atlastin GTPase 1; plus strand). Cytogenetic location: 14q22.1.
Variant type: single nucleotide variant.
Coding change: c.*305T>C on transcript NM_015915.5 (MANE Select); 305 bases downstream of the stop codon, T replaced by C.
Molecular consequence: 3 prime UTR variant.
Genome position (GRCh38, 1-based): chr14:50,632,644, T>C. VCF-style: chr14-50632644-T-C. GRCh37 (hg19) VCF-style: chr14-51099362-T-C.
Other names: c.*305T>C (NM_001127713.1, NM_181598.4).
Identifiers: ClinVar variation 313310 (VCV000313310.10), dbSNP rs2291674, ClinGen allele CA10634936.